The following is an entry in ClinVar:

NM_005045.4(RELN):c.261G>T (p.Leu87Phe)

Gene: RELN (reelin; minus strand). Cytogenetic location: 7q22.1.
Variant type: single nucleotide variant.
Coding change: c.261G>T on transcript NM_005045.4 (MANE Select); coding-DNA position 261, G replaced by T.
Protein change: p.Leu87Phe; replaces leucine 87 with phenylalanine.
Molecular consequence: missense variant.
Genome position (GRCh38, 1-based): chr7:103,917,151, C>A on the plus strand (G>T on the coding strand, the complement: RELN is on the minus strand). VCF-style: chr7-103917151-C-A. GRCh37 (hg19) VCF-style: chr7-103557598-C-A.
Other names: c.261G>T, p.Leu87Phe (NM_173054.3); short protein forms L87F.
Identifiers: ClinVar variation 1364571 (VCV001364571.8), dbSNP rs779347175, ClinGen allele CA4422642.

ClinVar aggregate classification (germline): Uncertain significance (1 of 4 stars; one submission).

Conditions:
Norman-Roberts syndrome (LIS2). Also called: Lissencephaly 2 (Norman-Roberts type). Identifiers: Orphanet 89844, MedGen C0796089, MONDO:0009760, OMIM 257320.
Familial temporal lobe epilepsy 7. Identifiers: Orphanet 101046, MedGen C4225327, MONDO:0014639, OMIM 616436.

Allele frequency attached by ClinVar (database versions not stated): gnomAD exomes below 0.00001; ExAC 0.00001; gnomAD 0.00001.
gnomAD v4.1: 6 of 1,612,792 alleles (0.00037%); highest among the groups gnomAD compares: Admixed American, 0.005%; no homozygotes.

Submission:

Labcorp Genetics (formerly Invitae), Labcorp
Classification: Uncertain significance for Familial temporal lobe epilepsy 7; Norman-Roberts syndrome. Last evaluated: 2023-10-12. Review status: criteria provided, single submitter. Criteria: Invitae Variant Classification Sherloc (09022015). Collection method: clinical testing. Allele origin: germline.
Comment: This sequence change replaces leucine, which is neutral and non-polar, with phenylalanine, which is neutral and non-polar, at codon 87 of the RELN protein (p.Leu87Phe). This variant is present in population databases (rs779347175, gnomAD 0.006%). This variant has not been reported in the literature in individuals affected with RELN-related conditions. ClinVar contains an entry for this variant (Variation ID: 1364571). Advanced modeling of protein sequence and biophysical properties (such as structural, functional, and spatial information, amino acid conservation, physicochemical variation, residue mobility, and thermodynamic stability) performed at Invitae indicates that this missense variant is not expected to disrupt RELN protein function. In summary, the available evidence is currently insufficient to determine the role of this variant in disease. Therefore, it has been classified as a Variant of Uncertain Significance.